The following is an entry in ClinVar:

ClinVar aggregate classification (germline): Uncertain significance (1 of 4 stars; one submission).

Conditions:
Cardiovascular phenotype. Identifiers: MedGen CN230736.

Submission:

Ambry Genetics
Classification: Uncertain significance for Cardiovascular phenotype. Last evaluated: 2021-07-16. Review status: criteria provided, single submitter. Criteria: Ambry Variant Classification Scheme 2023. Collection method: clinical testing. Allele origin: germline.
Comment: The p.Q499E variant (also known as c.1495C>G), located in coding exon 11 of the VCL gene, results from a C to G substitution at nucleotide position 1495. The glutamine at codon 499 is replaced by glutamic acid, an amino acid with highly similar properties. This amino acid position is conserved. In addition, the in silico prediction for this alteration is inconclusive. Since supporting evidence is limited at this time, the clinical significance of this alteration remains unclear.

NM_014000.3(VCL):c.1495C>G (p.Gln499Glu)

Gene: VCL (vinculin; plus strand). Cytogenetic location: 10q22.2.
Variant type: single nucleotide variant.
Coding change: c.1495C>G on transcript NM_014000.3 (MANE Select); coding-DNA position 1495, C replaced by G.
Protein change: p.Gln499Glu; replaces glutamine 499 with glutamic acid.
Molecular consequence: missense variant.
Genome position (GRCh38, 1-based): chr10:74,094,413, C>G. VCF-style: chr10-74094413-C-G. GRCh37 (hg19) VCF-style: chr10-75854171-C-G.
Other names: c.1495C>G, p.Gln499Glu (NM_003373.4); short protein forms Q499E.
Identifiers: ClinVar variation 1773871 (VCV001773871.2), dbSNP rs2549225398, ClinGen allele CA377273936.
Genomic context (GRCh38, chr10:74,094,413, plus strand): 5'-CGGGCTGTGGCCAACAGCAGACCGGCCAAAGCAGCTGTACACCTTGAGGGCAAGATTGAG[C>G]AAGCACAGCGGTGGATTGATAATCCCACAGTGGATGACCGTGGAGTCGGTAAGGGCAGCA-3'
Protein context (NP_054706.1, residues 489-509): AAVHLEGKIE[Gln499Glu]AQRWIDNPTV